The following is an entry in ClinVar:

NM_001365276.2(TNXB):c.4601C>T (p.Pro1534Leu)

Gene: TNXB (tenascin XB; minus strand). Cytogenetic location: 6p21.33.
Variant type: single nucleotide variant.
Coding change: c.4601C>T on transcript NM_001365276.2 (MANE Select); coding-DNA position 4601, C replaced by T.
Protein change: p.Pro1534Leu; replaces proline 1534 with leucine.
Molecular consequence: missense variant.
Genome position (GRCh38, 1-based): chr6:32,073,727, G>A on the plus strand (C>T on the coding strand, the complement: TNXB is on the minus strand). VCF-style: chr6-32073727-G-A. GRCh37 (hg19) VCF-style: chr6-32041504-G-A.
Other names: c.4601C>T, p.Pro1534Leu (NM_019105.8); short protein forms P1534L.
Identifiers: ClinVar variation 2451146 (VCV002451146.2), dbSNP rs2483614935, ClinGen allele CA363423783.

ClinVar aggregate classification (germline): Uncertain significance (1 of 4 stars; one submission).

Conditions:
Cardiovascular phenotype. Identifiers: MedGen CN230736.

Allele frequency attached by ClinVar (database versions not stated): gnomAD exomes below 0.00001.
gnomAD v4.1: 1 of 1,612,136 alleles (0.000062%); highest among the groups gnomAD compares: Non-Finnish European, 0.000085%; no homozygotes.

Submission:

Ambry Genetics
Classification: Uncertain significance for Cardiovascular phenotype. Last evaluated: 2022-12-24. Review status: criteria provided, single submitter. Criteria: Ambry Variant Classification Scheme 2023. Collection method: clinical testing. Allele origin: germline.
Comment: The p.P1534L variant (also known as c.4601C>T), located in coding exon 11 of the TNXB gene, results from a C to T substitution at nucleotide position 4601. The proline at codon 1534 is replaced by leucine, an amino acid with similar properties. This amino acid position is conserved. In addition, the in silico prediction for this alteration is inconclusive. Since supporting evidence is limited at this time, the clinical significance of this alteration remains unclear.